The following is an entry in ClinVar:

ClinVar aggregate classification (germline): Likely pathogenic (1 of 4 stars; one submission).

Conditions:
Dilated cardiomyopathy 1G (CMD1G). Identifiers: Orphanet 154, MedGen C1858763, MONDO:0011400, OMIM 604145.
Autosomal recessive limb-girdle muscular dystrophy type 2J (LGMDR10). Also called: Limb-girdle muscular dystrophy, type 2J; MUSCULAR DYSTROPHY, LIMB-GIRDLE, AUTOSOMAL RECESSIVE 10. Identifiers: Orphanet 140922, MedGen C1837342, MONDO:0012127, OMIM 608807.

Submission:

Labcorp Genetics (formerly Invitae), Labcorp
Classification: Likely pathogenic for Dilated cardiomyopathy 1G; Autosomal recessive limb-girdle muscular dystrophy type 2J. Last evaluated: 2024-10-18. Review status: criteria provided, single submitter. Criteria: Invitae Variant Classification Sherloc (09022015). Collection method: clinical testing. Allele origin: germline.
Comment: This sequence change creates a premature translational stop signal (p.Glu2130*) in the TTN gene. While this is not anticipated to result in nonsense mediated decay, it is expected to create a truncated TTN protein. This variant is not present in population databases (gnomAD no frequency). This variant has not been reported in the literature in individuals affected with TTN-related conditions. ClinVar contains an entry for this variant (Variation ID: 1393894). This variant is located in the Z band of TTN (PMID: 25589632). Truncating variants in this region have been reported in individuals affected with autosomal recessive centronuclear myopathy (PMID: 33449170, internal data). Truncating variants in this region have also been identified in individuals affected with autosomal dominant dilated cardiomyopathy and/or cardio-related conditions (PMID: 27869827, 32964742, internal data). In summary, the currently available evidence indicates that the variant is pathogenic, but additional data are needed to prove that conclusively. Therefore, this variant has been classified as Likely Pathogenic.

Literature cited by the submitters: PubMed 25589632; PubMed 33449170; PubMed 27869827; PubMed 32964742.

NM_001267550.2(TTN):c.6388G>T (p.Glu2130Ter)

Gene: TTN (titin; minus strand). Cytogenetic location: 2q31.2.
Variant type: single nucleotide variant.
Coding change: c.6388G>T on transcript NM_001267550.2 (MANE Select); coding-DNA position 6388, G replaced by T.
Protein change: p.Glu2130Ter; replaces glutamic acid 2130 with a stop codon.
Molecular consequence: nonsense.
Genome position (GRCh38, 1-based): chr2:178,775,476, C>A on the plus strand (G>T on the coding strand, the complement: TTN is on the minus strand). VCF-style: chr2-178775476-C-A. GRCh37 (hg19) VCF-style: chr2-179640203-C-A.
Other names: c.6388G>T, p.Glu2130Ter (NM_001256850.1, NM_133378.4, NM_133379.5); c.6250G>T, p.Glu2084Ter (NM_003319.4, NM_133432.3, NM_133437.4); short protein forms E2084*, E2130*.
Identifiers: ClinVar variation 1393894 (VCV001393894.6), dbSNP rs762914675, ClinGen allele CA349440066.